The following is an entry in ClinVar:

NM_002204.4(ITGA3):c.146G>A (p.Gly49Asp)

Gene: ITGA3 (integrin subunit alpha 3; plus strand). Cytogenetic location: 17q21.33.
Variant type: single nucleotide variant.
Coding change: c.146G>A on transcript NM_002204.4 (MANE Select); coding-DNA position 146, G replaced by A.
Protein change: p.Gly49Asp; replaces glycine 49 with aspartic acid.
Molecular consequence: missense variant.
Genome position (GRCh38, 1-based): chr17:50,056,585, G>A. VCF-style: chr17-50056585-G-A. GRCh37 (hg19) VCF-style: chr17-48133949-G-A.
Other names: short protein forms G49D.
Identifiers: ClinVar variation 1935786 (VCV001935786.5), dbSNP rs1397021324, ClinGen allele CA400170956.

ClinVar aggregate classification (germline): Uncertain significance (1 of 4 stars; one submission).

Allele frequency attached by ClinVar (database versions not stated): gnomAD 0.00002; TOPMed 0.00003.

Submission:

Labcorp Genetics (formerly Invitae), Labcorp
Classification: Uncertain significance. Last evaluated: 2022-03-10. Review status: criteria provided, single submitter. Criteria: Invitae Variant Classification Sherloc (09022015). Collection method: clinical testing. Allele origin: germline.
Comment: In summary, the available evidence is currently insufficient to determine the role of this variant in disease. Therefore, it has been classified as a Variant of Uncertain Significance. Algorithms developed to predict the effect of missense changes on protein structure and function (SIFT, PolyPhen-2, Align-GVGD) all suggest that this variant is likely to be tolerated. This variant has not been reported in the literature in individuals affected with ITGA3-related conditions. This variant is not present in population databases (gnomAD no frequency). This sequence change replaces glycine, which is neutral and non-polar, with aspartic acid, which is acidic and polar, at codon 49 of the ITGA3 protein (p.Gly49Asp).